The following is an entry in ClinVar:

NM_032638.5(GATA2):c.1148dup (p.Asn383fs)

Gene: GATA2 (GATA binding protein 2; minus strand). Cytogenetic location: 3q21.3.
Variant type: Duplication.
Coding change: c.1148dup on transcript NM_032638.5 (MANE Select); coding-DNA position 1148, one base duplicated (A; older notation c.1148dupA).
Protein change: p.Asn383fs; shifts the reading frame from asparagine 383.
Molecular consequence: frameshift variant.
Genome position (GRCh38, 1-based): chr3:128,481,314, T duplicated on the plus strand (A on the coding strand, the reverse complement: GATA2 is on the minus strand); the first of 2 consecutive T bases (chr3:128,481,314-128,481,315); duplicating either gives the same sequence. VCF-style (leftmost placement, unchanged base first): chr3-128481313-G-GT. GRCh37 (hg19) VCF-style: chr3-128200156-G-GT.
Other names: c.1148dup, p.Asn383fs (NM_001145661.2); c.1106dup, p.Asn369fs (NM_001145662.1); short protein forms N369fs, N383fs.
Identifiers: ClinVar variation 2004099 (VCV002004099.4), dbSNP rs2472919464, ClinGen allele CA2580068700.

ClinVar aggregate classification (germline): Pathogenic (1 of 4 stars; one submission).

Conditions:
Deafness-lymphedema-leukemia syndrome. Also called: Lymphedema, primary, with myelodysplasia; Emberger syndrome. Identifiers: Orphanet 3226, MedGen C3279664, MONDO:0013540, OMIM 614038.
Monocytopenia with susceptibility to infections. Also called: IMMUNODEFICIENCY 21; GATA2 DEFICIENCY; MONOCYTOPENIA AND MYCOBACTERIAL INFECTION SYNDROME; MONOCYTOPENIA WITH SUSCEPTIBILITY TO MYCOBACTERIAL, FUNGAL, AND PAPILLOMAVIRUS INFECTIONS AND MYELODYSPLASIA; COMBINED IMMUNODEFICIENCY WITH SUSCEPTIBILITY TO MYCOBACTERIAL, VIRAL, AND FUNGAL INFECTIONS; Dendritic cell, monocyte, B lymphocyte, and natural killer lymphocyte deficiency. Identifiers: Orphanet 228423, MedGen C3280030, MONDO:0013607, OMIM 614172.

Submission:

Labcorp Genetics (formerly Invitae), Labcorp
Classification: Pathogenic for Monocytopenia with susceptibility to infections; Deafness-lymphedema-leukemia syndrome. Last evaluated: 2025-10-22. Review status: criteria provided, single submitter. Criteria: Invitae Variant Classification Sherloc (09022015). Collection method: clinical testing. Allele origin: germline.
Comment: This sequence change is expected to alter the c-terminus of the GATA2 protein (p.Asn383Lysfs*153). While this is not anticipated to result in nonsense mediated decay, it is expected to disrupt the last 98 amino acid(s) of the GATA2 protein and extend the protein by 54 additional amino acid residues. This variant is not present in population databases (gnomAD no frequency). This variant has not been reported in the literature in individuals affected with GATA2-related conditions. ClinVar contains an entry for this variant (Variation ID: 2004099). This variant disrupts a region of the GATA2 protein in which other variant(s) (p.Arg396Gln) have been determined to be pathogenic (PMID: 22430350, 22533337, 24077845, 25624456). This suggests that this is a clinically significant region of the protein, and that variants that disrupt it are likely to be disease-causing. For these reasons, this variant has been classified as Pathogenic.

Literature cited by the submitters: PubMed 22430350; PubMed 22533337; PubMed 24077845; PubMed 25624456.